The following is an entry in ClinVar:

NM_006031.6(PCNT):c.4910C>T (p.Pro1637Leu)

Gene: PCNT (pericentrin; plus strand). Cytogenetic location: 21q22.3.
Variant type: single nucleotide variant.
Coding change: c.4910C>T on transcript NM_006031.6 (MANE Select); coding-DNA position 4910, C replaced by T.
Protein change: p.Pro1637Leu; replaces proline 1637 with leucine.
Molecular consequence: missense variant.
Genome position (GRCh38, 1-based): chr21:46,401,669, C>T. VCF-style: chr21-46401669-C-T. GRCh37 (hg19) VCF-style: chr21-47821583-C-T.
Other names: c.4556C>T, p.Pro1519Leu (NM_001315529.2); short protein forms P1637L, P1519L.
Identifiers: ClinVar variation 159612 (VCV000159612.30), dbSNP rs34849154, ClinGen allele CA173016.

ClinVar aggregate classification (germline): Benign/Likely benign. Review status: criteria provided, multiple submitters, no conflicts (2 of 4 stars). 8 submissions from 8 submitters: Benign (4); Likely benign (2). 2 of the submissions do not count toward it. Last evaluated 2026-01-31.

Conditions:
Microcephalic osteodysplastic primordial dwarfism type II (MOPD2). Also called: Microcephalic osteodysplastic primordial dwarfism with tooth abnormalities; MOPD II; OSTEODYSPLASTIC PRIMORDIAL DWARFISM, TYPE II. Identifiers: Orphanet 2637, MedGen C0432246, MONDO:0008872, OMIM 210720.

Allele frequency attached by ClinVar (database versions not stated): gnomAD exomes 0.00060 and 0.00172; ExAC 0.00242; gnomAD 0.00717 and 0.00771; 1000 Genomes Project 0.00719; TOPMed 0.00770; 1000 Genomes Project 30x 0.00781; ESP Exome Variant Server 0.00900.
gnomAD v4.1: 2,014 of 1,613,926 alleles (0.12%); highest among the groups gnomAD compares: African/African-American, 2.4%; 30 homozygotes.

Submissions (8):

Labcorp Genetics (formerly Invitae), Labcorp
Classification: Benign. Last evaluated: 2026-01-31. Review status: criteria provided, single submitter. Criteria: Invitae Variant Classification Sherloc (09022015). Collection method: clinical testing. Allele origin: germline.

ARUP Laboratories, Molecular Genetics and Genomics, ARUP Laboratories
Classification: Benign for Microcephalic osteodysplastic primordial dwarfism type II. Last evaluated: 2024-12-27. Review status: criteria provided, single submitter. Criteria: ARUP Molecular Germline Variant Investigation Process 2024. Collection method: clinical testing. Allele origin: germline.

GeneDx
Classification: Likely benign. Last evaluated: 2020-05-04. Review status: criteria provided, single submitter. Criteria: GeneDx Variant Classification Process June 2021. Collection method: clinical testing. Allele origin: germline. Affected: yes.

Illumina Laboratory Services, Illumina
Classification: Benign for Microcephalic osteodysplastic primordial dwarfism type II. Last evaluated: 2018-01-13. Review status: criteria provided, single submitter. Criteria: ICSL Variant Classification Criteria 13 December 2019. Collection method: clinical testing. Allele origin: germline.
Comment: This variant was observed in the ICSL laboratory as part of a predisposition screen in an ostensibly healthy population. It had not been previously curated by ICSL or reported in the Human Gene Mutation Database (HGMD: prior to June 1st, 2018), and was therefore a candidate for classification through an automated scoring system. Utilizing variant allele frequency, disease prevalence and penetrance estimates, and inheritance mode, an automated score was calculated to assess if this variant is too frequent to cause the disease. Based on the score and internal cut-off values, a variant classified as benign is not then subjected to further curation. The score for this variant resulted in a classification of benign for this disease.

Genetic Services Laboratory, University of Chicago
Classification: Benign. Last evaluated: 2013-12-11. Review status: criteria provided, single submitter. Criteria: ACMG Guidelines, 2007. Collection method: clinical testing. Allele origin: germline. Inheritance: Autosomal recessive inheritance.

Breakthrough Genomics
Classification: Likely benign. Review status: criteria provided, single submitter. Criteria: ACMG Guidelines, 2015. Collection method: not provided. Allele origin: germline. Inheritance: Autosomal recessive inheritance. Affected: yes.

Clinical Genetics DNA and cytogenetics Diagnostics Lab, Erasmus MC, Erasmus Medical Center
Classification: Benign. Review status: no assertion criteria provided. Collection method: clinical testing. Allele origin: germline. Affected: yes. Study: VKGL Data-share Consensus. Not counted in ClinVar's aggregate classification.

Laboratory of Diagnostic Genome Analysis, Leiden University Medical Center (LUMC)
Classification: Likely benign. Review status: no assertion criteria provided. Collection method: clinical testing. Allele origin: germline. Affected: yes. Study: VKGL Data-share Consensus. Not counted in ClinVar's aggregate classification.